The following is an entry in ClinVar:

NM_001165963.4(SCN1A):c.2230A>G (p.Ile744Val)

Gene: SCN1A (sodium voltage-gated channel alpha subunit 1; minus strand). Cytogenetic location: 2q24.3.
Variant type: single nucleotide variant.
Coding change: c.2230A>G on transcript NM_001165963.4 (MANE Select); coding-DNA position 2230, A replaced by G.
Protein change: p.Ile744Val; replaces isoleucine 744 with valine.
Molecular consequence: missense variant. On other transcripts: 5 prime UTR variant (1), non-coding transcript variant (1).
Genome position (GRCh38, 1-based): chr2:166,041,416, T>C on the plus strand (A>G on the coding strand, the complement: SCN1A is on the minus strand). VCF-style: chr2-166041416-T-C. GRCh37 (hg19) VCF-style: chr2-166897926-T-C.
Other names: c.2146A>G, p.Ile716Val (NM_001165964.3, NM_001353957.2, NM_001353958.2); c.2230A>G, p.Ile744Val (NM_001202435.3, NM_001353948.2); c.2197A>G, p.Ile733Val (NM_001353949.2, NM_001353950.2, NM_001353951.2 and 2 more transcripts); c.2194A>G, p.Ile732Val (NM_001353954.2, NM_001353955.2); c.2143A>G, p.Ile715Val (NM_001353960.2); c.-229A>G (NM_001353961.2); short protein forms I715V, I733V, I732V, I744V, I716V.
Identifiers: ClinVar variation 1346675 (VCV001346675.7), dbSNP rs2105829122, ClinGen allele CA349065040.

ClinVar aggregate classification (germline): Uncertain significance (1 of 4 stars; one submission).

Conditions:
Early-infantile DEE. Also called: Early infantile epileptic encephalopathy; Early infantile epileptic encephalopathy with suppression bursts; Ohtahara syndrome. Identifiers: Orphanet 1934, MedGen C0393706, MONDO:0800491.

Allele frequency attached by ClinVar (database versions not stated): gnomAD exomes below 0.00001.
gnomAD v4.1: 1 of 1,613,386 alleles (0.000062%); highest among the groups gnomAD compares: Non-Finnish European, 0.000085%; no homozygotes.

Submission:

Labcorp Genetics (formerly Invitae), Labcorp
Classification: Uncertain significance for Early-infantile DEE. Last evaluated: 2024-02-23. Review status: criteria provided, single submitter. Criteria: Invitae Variant Classification Sherloc (09022015). Collection method: clinical testing. Allele origin: germline.
Comment: This sequence change replaces isoleucine, which is neutral and non-polar, with valine, which is neutral and non-polar, at codon 744 of the SCN1A protein (p.Ile744Val). This variant is not present in population databases (gnomAD no frequency). This variant has not been reported in the literature in individuals affected with SCN1A-related conditions. ClinVar contains an entry for this variant (Variation ID: 1346675). Advanced modeling of protein sequence and biophysical properties (such as structural, functional, and spatial information, amino acid conservation, physicochemical variation, residue mobility, and thermodynamic stability) performed at Invitae indicates that this missense variant is not expected to disrupt SCN1A protein function with a negative predictive value of 95%. In summary, the available evidence is currently insufficient to determine the role of this variant in disease. Therefore, it has been classified as a Variant of Uncertain Significance.